The following is an entry in ClinVar:

ClinVar aggregate classification (germline): Pathogenic. Review status: criteria provided, multiple submitters, no conflicts (2 of 4 stars). 3 submissions from 3 submitters: Pathogenic (2). 1 of the submissions does not count toward it. Last evaluated 2022-02-01.

Conditions:
Congenital microvillous atrophy (DIAR2). Also called: CONGENITAL FAMILIAL PROTRACTED DIARRHEA WITH ENTEROCYTE BRUSH-BORDER ABNORMALITIES; DAVIDSON DISEASE; Microvillus inclusion disease; Diarrhea 2 with microvillus atrophy, with or without cholestasis; MICROVILLUS ATROPHY, CONGENITAL. Identifiers: Orphanet 2290, MedGen C0341306, MONDO:0009635, OMIM 251850.

Allele frequency attached by ClinVar (database versions not stated): TOPMed below 0.00001.

Submissions (3):

CeGaT Center for Human Genetics Tuebingen
Classification: Pathogenic. Last evaluated: 2022-02-01. Review status: criteria provided, single submitter. Criteria: CeGaT Center For Human Genetics Tuebingen Variant Classification Criteria Version 2. Collection method: clinical testing. Allele origin: germline. Affected: yes. Observed: 1 variant allele.

Baylor Genetics
Classification: Pathogenic for Congenital microvillous atrophy. Last evaluated: 2020-02-21. Review status: criteria provided, single submitter. Criteria: ACMG Guidelines, 2015. Collection method: clinical testing. Allele origin: unknown. Affected: yes.
Comment: This variant was determined to be pathogenic according to ACMG Guidelines, 2015 [PMID:25741868].

Clinical Laboratory Sciences Program (CLSP), King Saud bin Abdulaziz University for Health Sciences (KSAU-HS)
Classification: Pathogenic for Congenital microvillous atrophy. Last evaluated: 2023-04-01. Review status: no assertion criteria provided. Collection method: clinical testing. Allele origin: germline. Affected: yes. Not counted in ClinVar's aggregate classification.

NM_001080467.3(MYO5B):c.2641C>T (p.Gln881Ter)

Gene: MYO5B (myosin VB; minus strand). Cytogenetic location: 18q21.1.
Variant type: single nucleotide variant.
Coding change: c.2641C>T on transcript NM_001080467.3 (MANE Select); coding-DNA position 2641, C replaced by T.
Protein change: p.Gln881Ter; replaces glutamine 881 with a stop codon.
Molecular consequence: nonsense.
Genome position (GRCh38, 1-based): chr18:49,902,764, G>A on the plus strand (C>T on the coding strand, the complement: MYO5B is on the minus strand). VCF-style: chr18-49902764-G-A. GRCh37 (hg19) VCF-style: chr18-47429134-G-A.
Other names: short protein forms Q881*.
Identifiers: ClinVar variation 1031041 (VCV001031041.48), dbSNP rs1598870169, ClinGen allele CA402433265.